The following is an entry in ClinVar:

ClinVar aggregate classification (germline): Pathogenic/Likely pathogenic. Review status: criteria provided, multiple submitters, no conflicts (2 of 4 stars). 2 submissions from 2 submitters: Pathogenic (1); Likely pathogenic (1). Last evaluated 2022-11-10.

Conditions:
Autosomal recessive congenital ichthyosis 6 (ARCI6). Identifiers: Orphanet 313, Orphanet 79394, MedGen C2677065, MONDO:0012847, OMIM 612281.

Allele frequency attached by ClinVar (database versions not stated): gnomAD exomes below 0.00001.

Submissions (2):

Revvity Omics, Revvity
Classification: Likely pathogenic for Autosomal recessive congenital ichthyosis 6. Last evaluated: 2022-11-10. Review status: criteria provided, single submitter. Criteria: ACMG Guidelines, 2015. Collection method: clinical testing. Allele origin: germline.

Labcorp Genetics (formerly Invitae), Labcorp
Classification: Pathogenic. Last evaluated: 2022-05-14. Review status: criteria provided, single submitter. Criteria: Invitae Variant Classification Sherloc (09022015). Collection method: clinical testing. Allele origin: germline.
Comment: This sequence change creates a premature translational stop signal (p.Ile203*) in the NIPAL4 gene. It is expected to result in an absent or disrupted protein product. Loss-of-function variants in NIPAL4 are known to be pathogenic (PMID: 15317751, 17557927). This variant is not present in population databases (gnomAD no frequency). This variant has not been reported in the literature in individuals affected with NIPAL4-related conditions. For these reasons, this variant has been classified as Pathogenic.

Literature cited by the submitters: PubMed 15317751 (cited by Labcorp Genetics (formerly Invitae), Labcorp); PubMed 17557927 (cited by Labcorp Genetics (formerly Invitae), Labcorp).

NM_001099287.2(NIPAL4):c.421del (p.Leu140_Ile141insTer)

Gene: NIPAL4 (NIPA like domain containing 4; plus strand). Cytogenetic location: 5q33.3.
Variant type: Deletion.
Coding change: c.421del on transcript NM_001099287.2 (MANE Select); coding-DNA position 421, one base deleted (A; older notation c.421delA).
Protein change: p.Leu140_Ile141insTer.
Molecular consequence: nonsense. On other transcripts: frameshift variant (1).
Genome position (GRCh38, 1-based): chr5:157,468,808, A deleted. VCF-style (leftmost placement, unchanged base first): chr5-157468807-CA-C. GRCh37 (hg19) VCF-style: chr5-156895815-CA-C.
Other names: c.364delA, p.Ile122Terfs (NM_001172292.2); c.607del (NM_001099287.1).
Identifiers: ClinVar variation 1994481 (VCV001994481.7), dbSNP rs1754350429, ClinGen allele CA1594185336.
Genomic context (GRCh38, chr5:157,468,807, plus strand): 5'-TGGAGCCTACGCATTTGCACCTGCAACAGTCGTCACGCCTCTGGGAGCGCTGAGTGTCCT[CA>C]TAAGGTTATTGTCCCCTCTCTAGCTCTCTCTTTTTCTATTCCGTTTTCAGTTTGTTGAGG-3'